The following is an entry in ClinVar:

ClinVar aggregate classification (germline): Uncertain significance (1 of 4 stars; one submission).

Submission:

Labcorp Genetics (formerly Invitae), Labcorp
Classification: Uncertain significance. Last evaluated: 2023-08-04. Review status: criteria provided, single submitter. Criteria: Invitae Variant Classification Sherloc (09022015). Collection method: clinical testing. Allele origin: germline.
Comment: In summary, the available evidence is currently insufficient to determine the role of this variant in disease. Therefore, it has been classified as a Variant of Uncertain Significance. Algorithms developed to predict the effect of sequence changes on RNA splicing suggest that this variant may disrupt the consensus splice site. Advanced modeling of protein sequence and biophysical properties (such as structural, functional, and spatial information, amino acid conservation, physicochemical variation, residue mobility, and thermodynamic stability) has been performed at Invitae for this missense variant, however the output from this modeling did not meet the statistical confidence thresholds required to predict the impact of this variant on WFS1 protein function. ClinVar contains an entry for this variant (Variation ID: 1382703). This variant has not been reported in the literature in individuals affected with WFS1-related conditions. This variant is not present in population databases (gnomAD no frequency). This sequence change replaces serine, which is neutral and polar, with arginine, which is basic and polar, at codon 334 of the WFS1 protein (p.Ser334Arg).

NM_006005.3(WFS1):c.1000A>C (p.Ser334Arg)

Gene: WFS1 (wolframin ER transmembrane glycoprotein; plus strand). Cytogenetic location: 4p16.1.
Variant type: single nucleotide variant.
Coding change: c.1000A>C on transcript NM_006005.3 (MANE Select); coding-DNA position 1000, A replaced by C.
Protein change: p.Ser334Arg; replaces serine 334 with arginine.
Molecular consequence: missense variant.
Genome position (GRCh38, 1-based): chr4:6,300,795, A>C. VCF-style: chr4-6300795-A-C. GRCh37 (hg19) VCF-style: chr4-6302522-A-C.
Other names: c.1000A>C, p.Ser334Arg (NM_001145853.1); short protein forms S334R.
Identifiers: ClinVar variation 1382703 (VCV001382703.6), dbSNP rs2109125148, ClinGen allele CA356174042.